The following is an entry in ClinVar:

NM_006206.6(PDGFRA):c.2679C>T (p.Gly893=)

Gene: PDGFRA (platelet derived growth factor receptor alpha; plus strand). Cytogenetic location: 4q12.
Variant type: single nucleotide variant.
Coding change: c.2679C>T on transcript NM_006206.6 (MANE Select); coding-DNA position 2679, C replaced by T.
Protein change: p.Gly893=; no amino-acid change (glycine 893 retained).
Molecular consequence: synonymous variant.
Genome position (GRCh38, 1-based): chr4:54,288,803, C>T. VCF-style: chr4-54288803-C-T. GRCh37 (hg19) VCF-style: chr4-55154970-C-T.
Other names: c.2754C>T, p.Gly918= (NM_001347828.2); c.2679C>T, p.Gly893= (NM_001347829.2); c.2718C>T, p.Gly906= (NM_001347830.2).
Identifiers: ClinVar variation 407413 (VCV000407413.16), dbSNP rs148970242, ClinGen allele CA2922923.
Genomic context (GRCh38, chr4:54,288,803, plus strand): 5'-TTTCAGCAATGCACTGAGCGTTTGTTAGTCCTGGTGTTTTATTGTTTGGCTTTTAGGTGG[C>T]ACCCCTTACCCCGGCATGATGGTGGATTCTACTTTCTACAATAAGATCAAGAGTGGGTAC-3'
Protein context (NP_006197.1, residues 883-903): ILLWEIFSLG[Gly893=]TPYPGMMVDS

ClinVar aggregate classification (germline): Conflicting classifications of pathogenicity. Review status: criteria provided, conflicting classifications (1 of 4 stars). 4 submissions from 4 submitters: Uncertain significance (1); Benign (1); Likely benign (2). Last evaluated 2026-06-17.

Conditions:
Polyps, multiple and recurrent inflammatory fibroid, gastrointestinal. Identifiers: MedGen C5193005, MONDO:0008285, OMIM 175510.
Hereditary cancer-predisposing syndrome. Also called: Neoplastic Syndromes, Hereditary; Hereditary Cancer Syndrome; Hereditary neoplastic syndrome; Tumor predisposition. Identifiers: Orphanet 140162, MedGen C0027672, MeSH D009386, MONDO:0015356.
Gastrointestinal stromal tumor. Also called: Gastrointestinal stromal tumor, somatic; Gastrointestinal stroma tumor. Identifiers: Orphanet 44890, MedGen C0238198, MeSH D046152, MONDO:0011719, OMIM 606764, HP:0100723.

Allele frequency attached by ClinVar (database versions not stated): gnomAD 0.00001; ExAC 0.00002; TOPMed 0.00002; gnomAD exomes 0.00003; ESP Exome Variant Server 0.00008.
gnomAD v4.1: 19 of 1,603,414 alleles (0.0012%); highest among the groups gnomAD compares: South Asian, 0.0099%; no homozygotes.

Submissions (4):

Myriad Genetics, Inc.
Classification: Benign for Polyps, multiple and recurrent inflammatory fibroid, gastrointestinal. Last evaluated: 2026-06-17. Review status: criteria provided, single submitter. Criteria: Myriad Autosomal Dominant, Autosomal Recessive and X-Linked Classification Criteria (2023). Collection method: clinical testing. Allele origin: unknown.
Comment: This variant is considered benign. This variant is a silent/synonymous amino acid change and it is not expected to impact splicing.

Labcorp Genetics (formerly Invitae), Labcorp
Classification: Likely benign for Gastrointestinal stromal tumor. Last evaluated: 2025-12-17. Review status: criteria provided, single submitter. Criteria: Invitae Variant Classification Sherloc (09022015). Collection method: clinical testing. Allele origin: germline.

GeneDx
Classification: Uncertain significance. Last evaluated: 2023-12-23. Review status: criteria provided, single submitter. Criteria: GeneDx Variant Classification Process June 2021. Collection method: clinical testing. Allele origin: germline. Affected: yes.
Comment: In silico analysis supports that this variant does not alter splicing; Has not been previously published as pathogenic or benign to our knowledge; This variant is associated with the following publications: (PMID: 35621644)

Ambry Genetics
Classification: Likely benign for Hereditary cancer-predisposing syndrome. Last evaluated: 2022-02-13. Review status: criteria provided, single submitter. Criteria: Ambry Variant Classification Scheme 2023. Collection method: clinical testing. Allele origin: germline.